The following is an entry in ClinVar:

ClinVar aggregate classification (germline): Conflicting classifications of pathogenicity. Review status: criteria provided, conflicting classifications (1 of 4 stars). 2 submissions from 2 submitters: Uncertain significance (1); Likely benign (1). Last evaluated 2026-05-05.

Conditions:
Inborn genetic diseases. Identifiers: MedGen C0950123, MeSH D030342.

Allele frequency attached by ClinVar (database versions not stated): ExAC 0.00015; TOPMed 0.00002; gnomAD 0.00001; 1000 Genomes Project 30x 0.00016.
gnomAD v4.1: 24 of 1,600,296 alleles (0.0015%); highest among the groups gnomAD compares: South Asian, 0.0079%; no homozygotes.

Submissions (2):

Women's Health and Genetics/Laboratory Corporation of America, LabCorp
Classification: Uncertain significance. Last evaluated: 2026-05-05. Review status: criteria provided, single submitter. Criteria: LabCorp Variant Classification Summary - May 2015. Collection method: clinical testing. Allele origin: germline.
Comment: Variant summary: CIC c.1366G>A (p.Asp456Asn) results in a conservative amino acid change in the encoded protein sequence. Algorithms developed to predict the effect of missense changes on protein structure and function are either unavailable or do not agree on the potential impact of this missense change. The variant allele was found at a frequency of 4.4e-05 in 227430 control chromosomes. This frequency is not significantly higher than estimated for disease-causing variants in CIC, allowing no conclusion about variant significance. To our knowledge, no occurrence of c.1366G>A in individuals affected with CIC-related conditions and no experimental evidence demonstrating its impact on protein function have been reported. ClinVar contains an entry for this variant (Variation ID: 2222955). Based on the evidence outlined above, the variant was classified as uncertain significance.

Ambry Genetics
Classification: Likely benign for Inborn genetic diseases. Last evaluated: 2022-06-17. Review status: criteria provided, single submitter. Criteria: Ambry Variant Classification Scheme 2023. Collection method: clinical testing. Allele origin: germline.

NM_001386298.1(CIC):c.4093G>A (p.Asp1365Asn)

Gene: CIC (capicua transcriptional repressor; plus strand). Cytogenetic location: 19q13.2.
Variant type: single nucleotide variant.
Coding change: c.4093G>A on transcript NM_001386298.1 (MANE Select); coding-DNA position 4093, G replaced by A.
Protein change: p.Asp1365Asn; replaces aspartic acid 1365 with asparagine.
Molecular consequence: missense variant.
Genome position (GRCh38, 1-based): chr19:42,289,853, G>A. VCF-style: chr19-42289853-G-A. GRCh37 (hg19) VCF-style: chr19-42794005-G-A.
Other names: c.4093G>A, p.Asp1365Asn (NM_001304815.2, NM_001379480.1, NM_001379482.1 and 1 more transcripts); c.1366G>A, p.Asp456Asn (NM_001379484.1, NM_001379485.1, NM_015125.5); short protein forms D456N, D1365N.
Identifiers: ClinVar variation 2222955 (VCV002222955.3), dbSNP rs771449624, ClinGen allele CA9471979.
Genomic context (GRCh38, chr19:42,289,853, plus strand): 5'-CCTGGGTCCCCCTGCATCTAGCCCCCTCCCCATACTGTTCCCTCCACTCCCTCAGCTGAC[G>A]ATGGCTTCGGCACCACTGACATTGATCTCAAGTGCAAGGAGCGGGTGACCGACAGCGAGA-3'
Protein context (NP_001373227.1, residues 1355-1375): EEGDDDVIAD[Asp1365Asn]GFGTTDIDLK